The following is an entry in ClinVar:

ClinVar aggregate classification (germline): Pathogenic/Likely pathogenic. Review status: criteria provided, multiple submitters, no conflicts (2 of 4 stars). 3 submissions from 3 submitters: Pathogenic (2); Likely pathogenic (1). Last evaluated 2023-12-19.

Conditions:
Deficiency of UDPglucose-hexose-1-phosphate uridylyltransferase. Also called: GALACTOSE-1-PHOSPHATE URIDYLYLTRANSFERASE DEFICIENCY; GALACTOSEMIA I; Transferase Deficiency Galactosemia; GALT deficiency; Galactosemia, classic. Identifiers: Orphanet 352, Orphanet 79239, MedGen C0268151, MONDO:0009258, OMIM 230400.

Allele frequency attached by ClinVar (database versions not stated): TOPMed below 0.00001.

Submissions (3):

Baylor Genetics
Classification: Pathogenic for Deficiency of UDPglucose-hexose-1-phosphate uridylyltransferase. Last evaluated: 2023-12-19. Review status: criteria provided, single submitter. Criteria: ACMG Guidelines, 2015. Collection method: clinical testing. Allele origin: unknown.

Labcorp Genetics (formerly Invitae), Labcorp
Classification: Likely pathogenic for Deficiency of UDPglucose-hexose-1-phosphate uridylyltransferase. Last evaluated: 2022-07-13. Review status: criteria provided, single submitter. Criteria: Invitae Variant Classification Sherloc (09022015). Collection method: clinical testing. Allele origin: germline.
Comment: This sequence change affects an acceptor splice site in intron 9 of the GALT gene. It is expected to disrupt RNA splicing. Variants that disrupt the donor or acceptor splice site typically lead to a loss of protein function (PMID: 16199547), and loss-of-function variants in GALT are known to be pathogenic (PMID: 22944367). In summary, the currently available evidence indicates that the variant is pathogenic, but additional data are needed to prove that conclusively. Therefore, this variant has been classified as Likely Pathogenic. Algorithms developed to predict the effect of sequence changes on RNA splicing suggest that this variant may disrupt the consensus splice site. ClinVar contains an entry for this variant (Variation ID: 92524). This variant has not been reported in the literature in individuals affected with GALT-related conditions. This variant is not present in population databases (gnomAD no frequency).

Eurofins Ntd Llc (ga)
Classification: Pathogenic. Last evaluated: 2012-11-01. Review status: criteria provided, single submitter. Criteria: EGL Classification Definitions 2015. Collection method: clinical testing. Allele origin: germline. Observed: 1 variant allele, 1 heterozygote.

Literature cited by the submitters: PubMed 16199547 (cited by Labcorp Genetics (formerly Invitae), Labcorp); PubMed 22944367 (cited by Labcorp Genetics (formerly Invitae), Labcorp).

NM_000155.4(GALT):c.905-2A>G

Gene: GALT (galactose-1-phosphate uridylyltransferase; plus strand). Cytogenetic location: 9p13.3.
Variant type: single nucleotide variant.
Coding change: c.905-2A>G on transcript NM_000155.4 (MANE Select); the canonical splice acceptor site of the intron before coding-DNA position 905, A replaced by G.
Molecular consequence: splice acceptor variant.
Genome position (GRCh38, 1-based): chr9:34,649,408, A>G. VCF-style: chr9-34649408-A-G. GRCh37 (hg19) VCF-style: chr9-34649405-A-G.
Other names: c.578-2A>G (NM_001258332.2).
Identifiers: ClinVar variation 92524 (VCV000092524.10), dbSNP rs398123187, ClinGen allele CA266765.